The following is an entry in ClinVar:

NM_001042413.2(GLIS3):c.61A>G (p.Arg21Gly)

Gene: GLIS3 (GLIS family zinc finger 3; minus strand). Cytogenetic location: 9p24.2.
Variant type: single nucleotide variant.
Coding change: c.61A>G on transcript NM_001042413.2 (MANE Select); coding-DNA position 61, A replaced by G.
Protein change: p.Arg21Gly; replaces arginine 21 with glycine.
Molecular consequence: missense variant.
Genome position (GRCh38, 1-based): chr9:4,286,365, T>C on the plus strand (A>G on the coding strand, the complement: GLIS3 is on the minus strand). VCF-style: chr9-4286365-T-C. GRCh37 (hg19) VCF-style: chr9-4286365-T-C.
Other names: short protein forms R21G.
Identifiers: ClinVar variation 1336048 (VCV001336048.6), dbSNP rs199527360, ClinGen allele CA4968717.

ClinVar aggregate classification (germline): Conflicting classifications of pathogenicity. Review status: criteria provided, conflicting classifications (1 of 4 stars). 3 submissions from 3 submitters: Uncertain significance (1); Likely benign (2). Last evaluated 2026-02-05.

Conditions:
GLIS3-related disorder. Also called: GLIS3-related condition.
Inborn genetic diseases. Identifiers: MedGen C0950123, MeSH D030342.

Allele frequency attached by ClinVar (database versions not stated): gnomAD exomes 0.00006 and 0.00019; 1000 Genomes Project 30x 0.00016; 1000 Genomes Project 0.00020; ExAC 0.00024; gnomAD 0.00078 and 0.00086; TOPMed 0.00079; ESP Exome Variant Server 0.00106.
gnomAD v4.1: 203 of 1,614,184 alleles (0.013%); highest among the groups gnomAD compares: African/African-American, 0.25%; 2 homozygotes.

Submissions (3):

PreventionGenetics, part of Exact Sciences
Classification: Likely benign for GLIS3-related condition. Last evaluated: 2026-02-05. Review status: criteria provided, single submitter. Criteria: ACMG Guidelines, 2015. Collection method: clinical testing. Allele origin: germline.
Comment: This variant is classified as likely benign based on ACMG/AMP sequence variant interpretation guidelines (Richards et al. 2015 PMID: 25741868, with internal and published modifications).

Ambry Genetics
Classification: Likely benign for Inborn genetic diseases. Last evaluated: 2024-06-13. Review status: criteria provided, single submitter. Criteria: Ambry Variant Classification Scheme 2023. Collection method: clinical testing. Allele origin: germline.

Genetic Services Laboratory, University of Chicago
Classification: Uncertain significance. Last evaluated: 2019-03-07. Review status: criteria provided, single submitter. Criteria: ACMG Guidelines, 2015. Collection method: clinical testing. Allele origin: germline. Affected: no.